The following is an entry in ClinVar:

NM_001371395.1(USP53):c.1849C>T (p.Pro617Ser)

Gene: USP53 (ubiquitin specific peptidase 53; plus strand). Cytogenetic location: 4q26.
Variant type: single nucleotide variant.
Coding change: c.1849C>T on transcript NM_001371395.1 (MANE Select); coding-DNA position 1849, C replaced by T.
Protein change: p.Pro617Ser; replaces proline 617 with serine.
Molecular consequence: missense variant.
Genome position (GRCh38, 1-based): chr4:119,271,709, C>T. VCF-style: chr4-119271709-C-T. GRCh37 (hg19) VCF-style: chr4-120192864-C-T.
Other names: c.1696C>T, p.Pro566Ser (NM_001371396.1, NM_001389661.1); c.1849C>T, p.Pro617Ser (NM_001371397.1, NM_001371398.1, NM_001371399.1 and 3 more transcripts); c.1699C>T, p.Pro567Ser (NM_001389660.1); c.1501C>T, p.Pro501Ser (NM_001389662.1, NM_001389663.1, NM_001389664.1 and 1 more transcripts); c.1348C>T, p.Pro450Ser (NM_001389665.1, NM_001389667.1); short protein forms P566S, P617S, P450S, P501S, P567S.
Identifiers: ClinVar variation 708168 (VCV000708168.10), dbSNP rs147140509, ClinGen allele CA3059238.
Genomic context (GRCh38, chr4:119,271,709, plus strand): 5'-TTTAGTGAAAGTGAAAAAAGACAGCATAGTCCAAGACATAAACCAAATATCAGTAATAAG[C>T]CTAAATCTAGCAAGGATCCGAGTTTTAGTAATTGGCCAAAAGAGAATCCAAAGCAAAAAG-3'
Protein context (NP_001358324.1, residues 607-627): PRHKPNISNK[Pro617Ser]KSSKDPSFSN

ClinVar aggregate classification (germline): Likely benign. Review status: criteria provided, multiple submitters, no conflicts (2 of 4 stars). 3 submissions from 3 submitters: Likely benign (3). Last evaluated 2026-01-09.

Conditions:
USP53-related disorder. Also called: USP53-related condition.

Allele frequency attached by ClinVar (database versions not stated): 1000 Genomes Project 30x 0.00156; 1000 Genomes Project 0.00160; gnomAD 0.00278 and 0.00290; TOPMed 0.00306; ESP Exome Variant Server 0.00355; ExAC 0.00400.
gnomAD v4.1: 7,015 of 1,613,914 alleles (0.43%); highest among the groups gnomAD compares: Middle Eastern, 1.3%; 18 homozygotes.

Submissions (3):

PreventionGenetics, part of Exact Sciences
Classification: Likely benign for USP53-related condition. Last evaluated: 2026-01-09. Review status: criteria provided, single submitter. Criteria: ACMG Guidelines, 2015. Collection method: clinical testing. Allele origin: germline.
Comment: This variant is classified as likely benign based on ACMG/AMP sequence variant interpretation guidelines (Richards et al. 2015 PMID: 25741868, with internal and published modifications).

Labcorp Genetics (formerly Invitae), Labcorp
Classification: Likely benign. Last evaluated: 2025-11-13. Review status: criteria provided, single submitter. Criteria: Invitae Variant Classification Sherloc (09022015). Collection method: clinical testing. Allele origin: germline.

Breakthrough Genomics
Classification: Likely benign. Review status: criteria provided, single submitter. Criteria: ACMG Guidelines, 2015. Collection method: not provided. Allele origin: germline. Inheritance: Autosomal recessive inheritance. Affected: yes.